The following is an entry in ClinVar:

NM_001379200.1(TBX1):c.1419_1427del (p.Ala483_Ala485del)

Gene: TBX1 (T-box transcription factor 1; plus strand). Cytogenetic location: 22q11.21.
Variant type: Deletion.
Coding change: c.1419_1427del on transcript NM_001379200.1 (MANE Select); coding-DNA positions 1419 to 1427, 9 bases deleted (GGCCGCCGC; older notation c.1419_1427delGGCCGCCGC).
Protein change: p.Ala483_Ala485del.
Molecular consequence: inframe deletion. On other transcripts: intron variant (2).
Genome position (GRCh38, 1-based): chr22:19,766,771-19,766,779, GGCCGCCGC deleted; deleting any 9 consecutive bases within chr22:19,766,763-19,766,779 gives the same sequence; the c. name uses the placement nearest the transcript's 3' end. VCF-style (leftmost placement, unchanged base first): chr22-19766762-AGCCGCCGCG-A. GRCh37 (hg19) VCF-style: chr22-19754285-AGCCGCCGCG-A.
Other names: c.1392_1400delGGCCGCCGC (NM_080647.1); c.1392_1400del9 (NM_080647.1); c.1392_1400del, p.Ala474_Ala476del (NM_080647.1); c.1009+769_1009+777del (NM_005992.1, NM_080646.2).
Identifiers: ClinVar variation 695654 (VCV000695654.16), dbSNP rs777514486, ClinGen allele CA10102746.
Genomic context (GRCh38, chr22:19,766,762, plus strand): 5'-GCGTGGCCACGGCTACCACCCGCACGCGCATCCGCACCACCACCACCACCCCGTGAGTCC[AGCCGCCGCG>A]GCCGCCGCCGCCGCTGCCGCAGCTGCCGCGGCCGCCAACATGTACTCGTCGGCCGGAGCC-3'

ClinVar aggregate classification (germline): Likely benign. Review status: criteria provided, multiple submitters, no conflicts (2 of 4 stars). 4 submissions from 4 submitters: Likely benign (4). Last evaluated 2026-03-09.

Conditions:
DiGeorge syndrome. Also called: Catch22; THIRD AND FOURTH PHARYNGEAL POUCH SYNDROME. Identifiers: Orphanet 567, MedGen C0012236, MONDO:0008564, OMIM 188400.
TBX1-related disorder. Also called: TBX1-related condition; TBX1-Related Disorders.

Submissions (4):

PreventionGenetics, part of Exact Sciences
Classification: Likely benign for TBX1-related condition. Last evaluated: 2026-03-09. Review status: criteria provided, single submitter. Criteria: ACMG Guidelines, 2015. Collection method: clinical testing. Allele origin: germline.
Comment: This variant is classified as likely benign based on ACMG/AMP sequence variant interpretation guidelines (Richards et al. 2015 PMID: 25741868, with internal and published modifications).

Labcorp Genetics (formerly Invitae), Labcorp
Classification: Likely benign for DiGeorge syndrome. Last evaluated: 2026-01-24. Review status: criteria provided, single submitter. Criteria: Invitae Variant Classification Sherloc (09022015). Collection method: clinical testing. Allele origin: germline.

Blueprint Genetics
Classification: Likely benign. Last evaluated: 2024-10-09. Review status: criteria provided, single submitter. Criteria: ACMG Guidelines, 2015. Collection method: clinical testing. Allele origin: germline.

GeneDx
Classification: Likely benign. Last evaluated: 2020-12-21. Review status: criteria provided, single submitter. Criteria: GeneDx Variant Classification Process June 2021. Collection method: clinical testing. Allele origin: germline. Affected: yes.